The following is an entry in ClinVar:

ClinVar aggregate classification (germline): Likely pathogenic. Review status: criteria provided, multiple submitters, no conflicts (2 of 4 stars). 3 submissions from 3 submitters: Likely pathogenic (3). Last evaluated 2026-05-26.

Conditions:
Maturity-onset diabetes of the young (MODY). Also called: Maturity onset diabetes mellitus in young. Identifiers: Orphanet 552, MedGen C0342276, MONDO:0018911, HP:0004904.

gnomAD v4.1: 1 of 1,614,094 alleles (0.000062%); highest among the groups gnomAD compares: Non-Finnish European, 0.000085%; no homozygotes.

Submissions (3):

Women's Health and Genetics/Laboratory Corporation of America, LabCorp
Classification: Likely pathogenic for Maturity-onset diabetes of the young. Last evaluated: 2026-05-26. Review status: criteria provided, single submitter. Criteria: LabCorp Variant Classification Summary - May 2015. Collection method: clinical testing. Allele origin: germline.
Comment: Variant summary: HNF1A c.607C>G (p.Arg203Gly) results in a non-conservative amino acid change in the encoded protein sequence. Algorithms developed to predict the effect of missense changes on protein structure and function all suggest that this variant is likely to be disruptive. The variant was absent in 251324 control chromosomes. c.607C>G has been observed in at least one individual affected with HNF1A-related Maturity Onset Diabetes of the Young (MODY) (Lopez_2011). This report does not provide unequivocal conclusions about association of the variant with disease. Three different variants affecting the same codon (c.607C>T, p.Arg203Cys; c.608G>T, p.Arg203Leu; c.608G>A, p.Arg203His) have been classified as likely pathogenic/pathogenic by our lab, supporting the critical relevance of codon 203 to HNF1A protein function. To our knowledge, no experimental evidence demonstrating an impact on protein function has been reported. The following publications have been ascertained in the context of this evaluation (PMID: 21168233, 27398945). ClinVar contains an entry for this variant (Variation ID: 3900757). Based on the evidence outlined above, the variant was classified as likely pathogenic.

Ambry Genetics
Classification: Likely pathogenic for Maturity-onset diabetes of the young. Last evaluated: 2026-01-28. Review status: criteria provided, single submitter. Criteria: Ambry Variant Classification Scheme 2023. Collection method: clinical testing. Allele origin: germline.
Comment: The c.607C>G (p.R203G) alteration is located in exon 3 (coding exon 3) of the HNF1A gene. This alteration results from a C to G substitution at nucleotide position 607, causing the arginine (R) at amino acid position 203 to be replaced by a glycine (G). This variant was not reported in population-based cohorts in the Genome Aggregation Database (gnomAD). This variant was reported in individual(s) with features consistent with HNF1A-related maturity-onset diabetes of the young (MODY) (Lopez, 2011). Other variant(s) at the same codon, c.607C>A (p.R203S), c.607C>T (p.R203C), c.608G>A (p.R203H), have been identified in individual(s) with features consistent with MODY (Yamada, 1999; Thanabalasingham, 2013; Horikawa, 2014; Moritani, 2016; Shepherd, 2016; Alvelos, 2020; Ambry internal data). This amino acid position is well conserved in available vertebrate species. This alteration is predicted to be deleterious by in silico analysis. Based on the available evidence, this alteration is classified as likely pathogenic.

GeneDx
Classification: Likely pathogenic. Last evaluated: 2024-12-02. Review status: criteria provided, single submitter. Criteria: GeneDx Variant Classification Process June 2021. Collection method: clinical testing. Allele origin: germline. Affected: yes.
Comment: Reported in an individual from a cohort of patients with features of MODY in published literature (PMID: 21168233); Not observed at significant frequency in large population cohorts (gnomAD); In silico analysis supports that this missense variant has a deleterious effect on protein structure/function; This variant is associated with the following publications: (PMID: 12453420, 21168233)

Literature cited by the submitters: PubMed 21168233 (cited by Women's Health and Genetics/Laboratory Corporation of America, LabCorp and Ambry Genetics); PubMed 27398945 (cited by Women's Health and Genetics/Laboratory Corporation of America, LabCorp and Ambry Genetics); PubMed 10078571 (cited by Ambry Genetics); PubMed 23274891 (cited by Ambry Genetics); PubMed 24905847 (cited by Ambry Genetics); PubMed 27271189 (cited by Ambry Genetics); PubMed 31968686 (cited by Ambry Genetics).

NM_000545.8(HNF1A):c.607C>G (p.Arg203Gly)

Gene: HNF1A (HNF1 homeobox A; plus strand). Cytogenetic location: 12q24.31.
Variant type: single nucleotide variant.
Coding change: c.607C>G on transcript NM_000545.8 (MANE Select); coding-DNA position 607, C replaced by G.
Protein change: p.Arg203Gly; replaces arginine 203 with glycine.
Molecular consequence: missense variant.
Genome position (GRCh38, 1-based): chr12:120,993,600, C>G. VCF-style: chr12-120993600-C-G. GRCh37 (hg19) VCF-style: chr12-121431403-C-G.
Other names: c.607C>G, p.Arg203Gly (NM_001306179.2, NM_001406915.1); short protein forms R203G.
Identifiers: ClinVar variation 3900757 (VCV003900757.3).